The following is an entry in ClinVar:

NM_004304.5(ALK):c.4327C>T (p.Pro1443Ser)

Gene: ALK (ALK receptor tyrosine kinase; minus strand). Cytogenetic location: 2p23.2.
Variant type: single nucleotide variant.
Coding change: c.4327C>T on transcript NM_004304.5 (MANE Select); coding-DNA position 4327, C replaced by T.
Protein change: p.Pro1443Ser; replaces proline 1443 with serine.
Molecular consequence: missense variant.
Genome position (GRCh38, 1-based): chr2:29,193,760, G>A on the plus strand (C>T on the coding strand, the complement: ALK is on the minus strand). VCF-style: chr2-29193760-G-A. GRCh37 (hg19) VCF-style: chr2-29416626-G-A.
Other names: c.4327C>T (NM_004304.4); c.1123C>T, p.Pro375Ser (NM_001353765.2); short protein forms P375S, P1443S.
Identifiers: ClinVar variation 1955676 (VCV001955676.6), dbSNP rs996777247, ClinGen allele CA44635141.

ClinVar aggregate classification (germline): Uncertain significance. Review status: criteria provided, multiple submitters, no conflicts (2 of 4 stars). 2 submissions from 2 submitters: Uncertain significance (2). Last evaluated 2024-11-03.

Conditions:
Neuroblastoma, susceptibility to, 3. Also called: ALK-Related Neuroblastic Tumor Susceptibility. Identifiers: Orphanet 635, MedGen C2751681, MONDO:0013083, OMIM 613014.
Hereditary cancer-predisposing syndrome. Also called: Tumor predisposition; Hereditary neoplastic syndrome; Hereditary Cancer Syndrome; Neoplastic Syndromes, Hereditary. Identifiers: Orphanet 140162, MedGen C0027672, MeSH D009386, MONDO:0015356.

Submissions (2):

Ambry Genetics
Classification: Uncertain significance for Hereditary cancer-predisposing syndrome. Last evaluated: 2024-11-03. Review status: criteria provided, single submitter. Criteria: Ambry Variant Classification Scheme 2023. Collection method: clinical testing. Allele origin: germline.
Comment: The p.P1443S variant (also known as c.4327C>T), located in coding exon 29 of the ALK gene, results from a C to T substitution at nucleotide position 4327. The proline at codon 1443 is replaced by serine, an amino acid with similar properties. This amino acid position is conserved. In addition, this alteration is predicted to be tolerated by in silico analysis. Based on the available evidence, the clinical significance of this variant remains unclear.

Labcorp Genetics (formerly Invitae), Labcorp
Classification: Uncertain significance for Neuroblastoma, susceptibility to, 3. Last evaluated: 2022-01-16. Review status: criteria provided, single submitter. Criteria: Invitae Variant Classification Sherloc (09022015). Collection method: clinical testing. Allele origin: germline.
Comment: This variant is not present in population databases (gnomAD no frequency). This variant has not been reported in the literature in individuals affected with ALK-related conditions. Algorithms developed to predict the effect of missense changes on protein structure and function (SIFT, PolyPhen-2, Align-GVGD) all suggest that this variant is likely to be tolerated. In summary, the available evidence is currently insufficient to determine the role of this variant in disease. Therefore, it has been classified as a Variant of Uncertain Significance. This sequence change replaces proline, which is neutral and non-polar, with serine, which is neutral and polar, at codon 1443 of the ALK protein (p.Pro1443Ser).